The following is an entry in ClinVar:

ClinVar aggregate classification (germline): Likely pathogenic. Review status: criteria provided, multiple submitters, no conflicts (2 of 4 stars). 2 submissions from 2 submitters: Likely pathogenic (2). Last evaluated 2025-07-11.

Conditions:
Ehlers-Danlos syndrome, type 4 (EDSVASC). Also called: Ehlers-Danlos syndrome vascular type; Ehlers Danlos syndrome, ecchymotic type; Ehlers Danlos syndrome, arterial type; Ehlers Danlos syndrome, Sack-Barabas type; Ehlers-Danlos Syndrome Type IV. Identifiers: Orphanet 286, MedGen C0268338, MONDO:0017314, OMIM 130050.
Familial thoracic aortic aneurysm and aortic dissection (TAAD). Also called: Thoracic aortic aneurysms and dissections. Identifiers: Orphanet 91387, MedGen C4707243, MONDO:0019625.

Submissions (2):

Ambry Genetics
Classification: Likely pathogenic for Familial thoracic aortic aneurysm and aortic dissection. Last evaluated: 2025-07-11. Review status: criteria provided, single submitter. Criteria: Ambry Variant Classification Scheme 2023. Collection method: clinical testing. Allele origin: germline.
Comment: The p.G177A variant (also known as c.530G>C), located in coding exon 6 of the COL3A1 gene, results from a G to C substitution at nucleotide position 530. The glycine at codon 177 is replaced by alanine, an amino acid with similar properties. Another variant at the same codon, p.G177D (c.530G>A) has been reported as de novo in an individual with features consistent with COL3A1-related Ehlers-Danlos syndrome (Legrand A et al. Genet Med, 2019 Jul;21:1568-1575). The majority (approximately two-thirds) ofCOL3A1mutations identified to date have involved the substitution of another amino acid for glycine within the triple-helical domain (PepinMG et al.GenetMed.2014;16(12):881-8; Frank M et al.Eur J Hum Genet. 2015;23(12):1657-64). This amino acid position is highly conserved in available vertebrate species. In addition, this alteration is predicted to be deleterious by in silico analysis. This variant is considered to be rare based on population cohorts in the Genome Aggregation Database (gnomAD). Based on the majority of available evidence to date, this variant is likely to be pathogenic.

Labcorp Genetics (formerly Invitae), Labcorp
Classification: Likely pathogenic for Ehlers-Danlos syndrome, type 4. Last evaluated: 2021-11-06. Review status: criteria provided, single submitter. Criteria: Invitae Variant Classification Sherloc (09022015). Collection method: clinical testing. Allele origin: germline.
Comment: This variant is not present in population databases (gnomAD no frequency). This sequence change replaces glycine, which is neutral and non-polar, with alanine, which is neutral and non-polar, at codon 177 of the COL3A1 protein (p.Gly177Ala). This variant has not been reported in the literature in individuals affected with COL3A1-related conditions. Algorithms developed to predict the effect of missense changes on protein structure and function are either unavailable or do not agree on the potential impact of this missense change (SIFT: "Deleterious"; PolyPhen-2: "Not Available"; Align-GVGD: "Class C0"). This variant disrupts the triple helix domain of COL3A1. Glycine residues within the Gly-Xaa-Yaa repeats of the triple helix domain are required for the structure and stability of fibrillar collagens (PMID: 7695699, 8218237, 19344236). In COL3A1, variants that affect these glycine residues are significantly enriched in individuals with disease (PMID: 24922459, 25758994) compared to the general population (ExAC). In summary, the currently available evidence indicates that the variant is pathogenic, but additional data are needed to prove that conclusively. Therefore, this variant has been classified as Likely Pathogenic.

Literature cited by the submitters: PubMed 7695699 (cited by Labcorp Genetics (formerly Invitae), Labcorp); PubMed 8218237 (cited by Labcorp Genetics (formerly Invitae), Labcorp); PubMed 19344236 (cited by Labcorp Genetics (formerly Invitae), Labcorp); PubMed 24922459 (cited by Labcorp Genetics (formerly Invitae), Labcorp); PubMed 25758994 (cited by Labcorp Genetics (formerly Invitae), Labcorp).

NM_000090.4(COL3A1):c.530G>C (p.Gly177Ala)

Gene: COL3A1 (collagen type III alpha 1 chain; plus strand). Cytogenetic location: 2q32.2.
Variant type: single nucleotide variant.
Coding change: c.530G>C on transcript NM_000090.4 (MANE Select); coding-DNA position 530, G replaced by C.
Protein change: p.Gly177Ala; replaces glycine 177 with alanine.
Molecular consequence: missense variant.
Genome position (GRCh38, 1-based): chr2:188,988,082, G>C. VCF-style: chr2-188988082-G-C. GRCh37 (hg19) VCF-style: chr2-189852808-G-C.
Other names: c.530G>C (NM_000090.3); short protein forms G177A.
Identifiers: ClinVar variation 1471288 (VCV001471288.7), dbSNP rs2153501733, ClinGen allele CA349848212.